The following is an entry in ClinVar:

NM_004519.4(KCNQ3):c.2164C>T (p.Arg722Ter)

Gene: KCNQ3 (potassium voltage-gated channel subfamily Q member 3; minus strand). Cytogenetic location: 8q24.22.
Variant type: single nucleotide variant.
Coding change: c.2164C>T on transcript NM_004519.4 (MANE Select); coding-DNA position 2164, C replaced by T.
Protein change: p.Arg722Ter; replaces arginine 722 with a stop codon.
Molecular consequence: nonsense.
Genome position (GRCh38, 1-based): chr8:132,129,717, G>A on the plus strand (C>T on the coding strand, the complement: KCNQ3 is on the minus strand). VCF-style: chr8-132129717-G-A. GRCh37 (hg19) VCF-style: chr8-133141964-G-A.
Other names: c.1804C>T, p.Arg602Ter (NM_001204824.2); short protein forms R602*, R722*.
Identifiers: ClinVar variation 3674016 (VCV003674016.2).

ClinVar aggregate classification (germline): Uncertain significance (1 of 4 stars; one submission).

Conditions:
Benign neonatal seizures. Also called: Convulsions benign familial neonatal dominant form; Autosomal dominant form of benign neonatal seizures; Benign familial neonatal epilepsy; Benign neonatal familial convulsions; Benign familial neonatal seizures. Identifiers: Orphanet 1949, MedGen C0220669, MONDO:0016027.

gnomAD v4.1: 3 of 1,614,148 alleles (0.00019%); highest among the groups gnomAD compares: Non-Finnish European, 0.00025%; no homozygotes.

Submission:

Labcorp Genetics (formerly Invitae), Labcorp
Classification: Uncertain significance for Benign neonatal seizures. Last evaluated: 2024-05-27. Review status: criteria provided, single submitter. Criteria: Invitae Variant Classification Sherloc (09022015). Collection method: clinical testing. Allele origin: germline.
Comment: This sequence change creates a premature translational stop signal (p.Arg722*) in the KCNQ3 gene. While this is not anticipated to result in nonsense mediated decay, it is expected to disrupt the last 151 amino acid(s) of the KCNQ3 protein. This variant is not present in population databases (gnomAD no frequency). This premature translational stop signal has been observed in individual(s) with clinical features of autosomal dominant developmental and epileptic encephalopathy (Invitae). Experimental studies and prediction algorithms are not available or were not evaluated, and the functional significance of this variant is currently unknown. This variant disrupts a region of the KCNQ3 protein in which other variant(s) (p.Pro871Ala) have been observed in individuals with KCNQ3-related conditions (Invitae). This suggests that this is a clinically significant region of the protein, and that variants that disrupt it are likely to be disease-causing. In summary, the available evidence is currently insufficient to determine the role of this variant in disease. Therefore, it has been classified as a Variant of Uncertain Significance.